The following is an entry in ClinVar:

NM_000540.3(RYR1):c.10142T>C (p.Leu3381Pro)

Gene: RYR1 (ryanodine receptor 1; plus strand). Cytogenetic location: 19q13.2.
Variant type: single nucleotide variant.
Coding change: c.10142T>C on transcript NM_000540.3 (MANE Select); coding-DNA position 10142, T replaced by C.
Protein change: p.Leu3381Pro; replaces leucine 3381 with proline.
Molecular consequence: missense variant.
Genome position (GRCh38, 1-based): chr19:38,519,337, T>C. VCF-style: chr19-38519337-T-C. GRCh37 (hg19) VCF-style: chr19-39009977-T-C.
Other names: c.10142T>C, p.Leu3381Pro (NM_001042723.2); short protein forms L3381P.
Identifiers: ClinVar variation 4758675 (VCV004758675.1).
Genomic context (GRCh38, chr19:38,519,337, plus strand): 5'-CTATCGGGCGGCTGCGCAAGAGGGCAGGGAAGGTGGTGTCCGAGGAGGAGCAGCTGCGCC[T>C]GGAGGCCAAGGCGGAGGCCCAGGAGGGCGAGCTGCTGGTGCGGGACGAGTTCTCTGTGCT-3'
Protein context (NP_000531.2, residues 3371-3391): KVVSEEEQLR[Leu3381Pro]EAKAEAQEGE

ClinVar aggregate classification (germline): Uncertain significance (1 of 4 stars; one submission).

Conditions:
Malignant hyperthermia, susceptibility to, 1 (MHS1). Also called: RYR1-Related Malignant Hyperthermia Susceptibility; Malignant hyperthermia suceptibility 1; Anesthesia related hyperthermia; Malignant hyperpyrexia; Fulminating hyperpyrexia; Pharmacogenic myopathy. Identifiers: Orphanet 423, MedGen C2930980, MONDO:0007783, OMIM 145600.

gnomAD v4.1: 1 of 1,613,340 alleles (0.000062%); highest among the groups gnomAD compares: African/African-American, 0.0013%; no homozygotes.

Submission:

Color Diagnostics, LLC DBA Color Health
Classification: Uncertain significance for Malignant hyperthermia, susceptibility to, 1. Last evaluated: 2025-05-30. Review status: criteria provided, single submitter. Criteria: ACMG Guidelines, 2015. Collection method: clinical testing. Allele origin: germline.
Comment: This missense variant replaces leucine with proline at codon 3381 of the RYR1 protein. Computational prediction is inconclusive regarding the impact of this variant on protein structure and function. To our knowledge, functional studies have not been reported for this variant. This variant has not been reported in individuals affected with RYR1-related disorders in the literature. This variant has not been identified in the general population by the Genome Aggregation Database (gnomAD). The available evidence is insufficient to determine the role of this variant in disease conclusively. Therefore, this variant is classified as a Variant of Uncertain Significance.